The following is an entry in ClinVar:

ClinVar aggregate classification (germline): Uncertain significance (1 of 4 stars; one submission).

Conditions:
Inborn genetic diseases. Identifiers: MedGen C0950123, MeSH D030342.

Submission:

Ambry Genetics
Classification: Uncertain significance for Inborn genetic diseases. Last evaluated: 2026-06-02. Review status: criteria provided, single submitter. Criteria: Ambry Variant Classification Scheme 2023. Collection method: clinical testing. Allele origin: germline.
Comment: The p.M585T variant (also known as c.1754T>C), located in coding exon 14 of the DNMT3A gene, results from a T to C substitution at nucleotide position 1754. The methionine at codon 585 is replaced by threonine, an amino acid with similar properties. This amino acid position is conserved. In addition, this alteration is predicted to be deleterious by in silico analysis. Based on the available evidence, the clinical significance of this variant remains unclear.

NM_022552.5(DNMT3A):c.1754T>C (p.Met585Thr)

Gene: DNMT3A (DNA methyltransferase 3 alpha; minus strand). Cytogenetic location: 2p23.3.
Variant type: single nucleotide variant.
Coding change: c.1754T>C on transcript NM_022552.5 (MANE Select); coding-DNA position 1754, T replaced by C.
Protein change: p.Met585Thr; replaces methionine 585 with threonine.
Molecular consequence: missense variant. On other transcripts: non-coding transcript variant (1).
Genome position (GRCh38, 1-based): chr2:25,244,252, A>G on the plus strand (T>C on the coding strand, the complement: DNMT3A is on the minus strand). VCF-style: chr2-25244252-A-G. GRCh37 (hg19) VCF-style: chr2-25467121-A-G.
Other names: c.1298T>C, p.Met433Thr (NM_001320893.1); c.1085T>C, p.Met362Thr (NM_001375819.1); c.1187T>C, p.Met396Thr (NM_153759.3); c.1754T>C, p.Met585Thr (NM_175629.2); short protein forms M362T, M396T, M433T, M585T.
Identifiers: ClinVar variation 4870047 (VCV004870047.1).
Genomic context (GRCh38, chr2:25,244,252, plus strand): 5'-AGCCGGGAGGGCCAGTCCTCTCGCCGCCGCAGCAGCCCGTAGGTACCCTTGTGCCCGCAC[A>G]TGTAGCAGTTCCAGGGGTCTTCCTTAATGGCTGCCTGGGCAGCCCCCGGCCCCACCAAGA-3'
Protein context (NP_072046.2, residues 575-595): AIKEDPWNCY[Met585Thr]CGHKGTYGLL